The following is an entry in ClinVar:

NM_001105206.3(LAMA4):c.922C>T (p.His308Tyr)

Gene: LAMA4 (laminin subunit alpha 4; minus strand). Cytogenetic location: 6q21.
Variant type: single nucleotide variant.
Coding change: c.922C>T on transcript NM_001105206.3 (MANE Select); coding-DNA position 922, C replaced by T.
Protein change: p.His308Tyr; replaces histidine 308 with tyrosine.
Molecular consequence: missense variant.
Genome position (GRCh38, 1-based): chr6:112,187,494, G>A on the plus strand (C>T on the coding strand, the complement: LAMA4 is on the minus strand). VCF-style: chr6-112187494-G-A. GRCh37 (hg19) VCF-style: chr6-112508696-G-A.
Other names: c.901C>T, p.His301Tyr (NM_001105207.3, NM_002290.5); short protein forms H301Y, H308Y.
Identifiers: ClinVar variation 1909469 (VCV001909469.5), dbSNP rs75775440, ClinGen allele CA3965989.

ClinVar aggregate classification (germline): Uncertain significance (1 of 4 stars; one submission).

Conditions:
Dilated cardiomyopathy 1JJ (CMD1JJ). Identifiers: Orphanet 154, MedGen C3808935, MONDO:0014095, OMIM 615235.

Allele frequency attached by ClinVar (database versions not stated): gnomAD exomes below 0.00001; gnomAD 0.00001; ExAC 0.00002; 1000 Genomes Project 30x 0.00031; 1000 Genomes Project 0.00040.
gnomAD v4.1: 4 of 1,614,136 alleles (0.00025%); highest among the groups gnomAD compares: East Asian, 0.0089%; no homozygotes.

Submission:

Labcorp Genetics (formerly Invitae), Labcorp
Classification: Uncertain significance for Dilated cardiomyopathy 1JJ. Last evaluated: 2022-02-11. Review status: criteria provided, single submitter. Criteria: Invitae Variant Classification Sherloc (09022015). Collection method: clinical testing. Allele origin: germline.
Comment: In summary, the available evidence is currently insufficient to determine the role of this variant in disease. Therefore, it has been classified as a Variant of Uncertain Significance. Algorithms developed to predict the effect of missense changes on protein structure and function are either unavailable or do not agree on the potential impact of this missense change (SIFT: "Deleterious"; PolyPhen-2: "Benign"; Align-GVGD: "Class C0"). This variant has not been reported in the literature in individuals affected with LAMA4-related conditions. This variant is present in population databases (rs75775440, gnomAD 0.01%). This sequence change replaces histidine, which is basic and polar, with tyrosine, which is neutral and polar, at codon 301 of the LAMA4 protein (p.His301Tyr).